The following is an entry in ClinVar:

NM_012092.4(ICOS):c.128A>G (p.Lys43Arg)

Gene: ICOS (inducible T cell costimulator; plus strand). Cytogenetic location: 2q33.2.
Variant type: single nucleotide variant.
Coding change: c.128A>G on transcript NM_012092.4 (MANE Select); coding-DNA position 128, A replaced by G.
Protein change: p.Lys43Arg; replaces lysine 43 with arginine.
Molecular consequence: missense variant.
Genome position (GRCh38, 1-based): chr2:203,955,705, A>G. VCF-style: chr2-203955705-A-G. GRCh37 (hg19) VCF-style: chr2-204820428-A-G.
Other names: short protein forms K43R.
Identifiers: ClinVar variation 960748 (VCV000960748.1), dbSNP rs1367837109, ClinGen allele CA350139698.

ClinVar aggregate classification (germline): Uncertain significance (1 of 4 stars; one submission).

Conditions:
Immunodeficiency, common variable, 1. Also called: ANTIBODY DEFICIENCY DUE TO ICOS DEFECT. Identifiers: Orphanet 1572, Orphanet 695183, MedGen C3149378, MONDO:0011864, OMIM 607594.

Allele frequency attached by ClinVar (database versions not stated): gnomAD exomes 0.00001 and below 0.00001.
gnomAD v4.1: 3 of 1,613,734 alleles (0.00019%); highest among the groups gnomAD compares: Non-Finnish European, 0.00025%; no homozygotes.

Submission:

Labcorp Genetics (formerly Invitae), Labcorp
Classification: Uncertain significance for Common variable immunodeficiency 1. Last evaluated: 2019-11-06. Review status: criteria provided, single submitter. Criteria: Invitae Variant Classification Sherloc (09022015). Collection method: clinical testing. Allele origin: germline.
Comment: This sequence change replaces lysine with arginine at codon 43 of the ICOS protein (p.Lys43Arg). The lysine residue is moderately conserved and there is a small physicochemical difference between lysine and arginine. This variant is not present in population databases (ExAC no frequency). This variant has not been reported in the literature in individuals with ICOS-related conditions. Algorithms developed to predict the effect of missense changes on protein structure and function output the following: SIFT: "Tolerated"; PolyPhen-2: "Benign"; Align-GVGD: "Class C0". The arginine amino acid residue is found in multiple mammalian species, suggesting that this missense change does not adversely affect protein function. These predictions have not been confirmed by published functional studies and their clinical significance is uncertain. Algorithms developed to predict the effect of sequence changes on RNA splicing suggest that this variant may create or strengthen a splice site, but this prediction has not been confirmed by published transcriptional studies. In summary, the available evidence is currently insufficient to determine the role of this variant in disease. Therefore, it has been classified as a Variant of Uncertain Significance.